The following is an entry in ClinVar:

NM_016284.5(CNOT1):c.3761C>T (p.Pro1254Leu)

Gene: CNOT1 (CCR4-NOT transcription complex subunit 1; minus strand). Cytogenetic location: 16q21.
Variant type: single nucleotide variant.
Coding change: c.3761C>T on transcript NM_016284.5 (MANE Select); coding-DNA position 3761, C replaced by T.
Protein change: p.Pro1254Leu; replaces proline 1254 with leucine.
Molecular consequence: missense variant. On other transcripts: non-coding transcript variant (1).
Genome position (GRCh38, 1-based): chr16:58,546,739, G>A on the plus strand (C>T on the coding strand, the complement: CNOT1 is on the minus strand). VCF-style: chr16-58546739-G-A. GRCh37 (hg19) VCF-style: chr16-58580643-G-A.
Other names: c.3746C>T, p.Pro1249Leu (NM_001265612.2); c.3761C>T, p.Pro1254Leu (NM_206999.3); short protein forms P1249L, P1254L.
Identifiers: ClinVar variation 4279565 (VCV004279565.1).
Genomic context (GRCh38, chr16:58,546,739, plus strand): 5'-TCATGCTCCTGATGTAGCTCAGCTAATACATTCATAATTGCCATTGTCCAAGGGTTTGGT[G>A]GCCTAAAAACCTAAAGAAAAGCTATTATGTTAAGCTGGCCCAAAATGTGCCCTTTAATTT-3'
Protein context (NP_057368.3, residues 1244-1264): ESSIRSVVFR[Pro1254Leu]PNPWTMAIMN

ClinVar aggregate classification (germline): Uncertain significance (1 of 4 stars; one submission).

Conditions:
Vissers-Bodmer syndrome. Identifiers: MedGen C5436647, MONDO:0033618, OMIM 619033.

gnomAD v4.1: 10 of 1,613,714 alleles (0.00062%); highest among the groups gnomAD compares: African/African-American, 0.0013%; no homozygotes.

Submission:

Department of Paediatrics at Addenbrookes, Cambridge University Hospitals NHS Foundation Trust (UK)
Classification: Uncertain significance for Vissers-Bodmer syndrome. Last evaluated: 2025-05-27. Review status: criteria provided, single submitter. Criteria: Durkie Uk Practice Guidelines For Variant Classification V12 2024 (1). Collection method: clinical testing. Allele origin: unknown.
Comment: BS2_Strong; PP2_Supporting